The following is an entry in ClinVar:

ClinVar aggregate classification (germline): Benign/Likely benign. Review status: criteria provided, multiple submitters, no conflicts (2 of 4 stars). 3 submissions from 3 submitters: Benign (1); Likely benign (2). Last evaluated 2025-02-19.

Conditions:
Hereditary cancer-predisposing syndrome. Also called: Neoplastic Syndromes, Hereditary; Hereditary Cancer Syndrome; Hereditary neoplastic syndrome; Tumor predisposition. Identifiers: Orphanet 140162, MedGen C0027672, MeSH D009386, MONDO:0015356.
Multiple endocrine neoplasia, type 1 (MEN1). Also called: MEN I; WERMER SYNDROME; Endocrine adenomatosis multiple; MEN 1; MEA I. Identifiers: Orphanet 652, MedGen C0025267, MeSH D018761, MONDO:0007540, OMIM 131100.

Allele frequency attached by ClinVar (database versions not stated): gnomAD exomes below 0.00001.
gnomAD v4.1: 4 of 1,596,536 alleles (0.00025%); highest among the groups gnomAD compares: Non-Finnish European, 0.00034%; no homozygotes.

Submissions (3):

Labcorp Genetics (formerly Invitae), Labcorp
Classification: Likely benign for Multiple endocrine neoplasia, type 1. Last evaluated: 2025-02-19. Review status: criteria provided, single submitter. Criteria: Invitae Variant Classification Sherloc (09022015). Collection method: clinical testing. Allele origin: germline.

Myriad Genetics, Inc.
Classification: Benign for Multiple endocrine neoplasia, type 1. Last evaluated: 2024-11-05. Review status: criteria provided, single submitter. Criteria: Myriad Autosomal Dominant, Autosomal Recessive and X-Linked Classification Criteria (2023). Collection method: clinical testing. Allele origin: unknown.
Comment: This variant is considered benign. This variant is a silent/synonymous amino acid change and it is not expected to impact splicing.

Ambry Genetics
Classification: Likely benign for Hereditary cancer-predisposing syndrome. Last evaluated: 2020-03-26. Review status: criteria provided, single submitter. Criteria: Ambry Variant Classification Scheme 2023. Collection method: clinical testing. Allele origin: germline.

NM_001370259.2(MEN1):c.1453C>A (p.Arg485=)

Gene: MEN1 (menin 1; minus strand). Cytogenetic location: 11q13.1.
Variant type: single nucleotide variant.
Coding change: c.1453C>A on transcript NM_001370259.2 (MANE Select); coding-DNA position 1453, C replaced by A.
Protein change: p.Arg485=; no amino-acid change (arginine 485 retained).
Molecular consequence: synonymous variant.
Genome position (GRCh38, 1-based): chr11:64,804,714, G>T on the plus strand (C>A on the coding strand, the complement: MEN1 is on the minus strand). VCF-style: chr11-64804714-G-T. GRCh37 (hg19) VCF-style: chr11-64572186-G-T.
Other names: c.1468C>A, p.Arg490= (NM_000244.4, NM_130800.3, NM_130801.3 and 3 more transcripts); c.1579C>A, p.Arg527= (NM_001370251.2); c.1453C>A, p.Arg485= (NM_001370260.2, NM_001370261.2, NM_130799.3); c.1348C>A, p.Arg450= (NM_001370262.2, NM_001370263.2).
Identifiers: ClinVar variation 1118379 (VCV001118379.12), dbSNP rs1254459338, ClinGen allele CA475163288.